The following is an entry in ClinVar:

ClinVar aggregate classification (germline): Uncertain significance. Review status: criteria provided, multiple submitters, no conflicts (2 of 4 stars). 3 submissions from 3 submitters: Uncertain significance (3). Last evaluated 2026-03-01.

Conditions:
Hereditary cancer-predisposing syndrome. Also called: Neoplastic Syndromes, Hereditary; Hereditary neoplastic syndrome; Hereditary Cancer Syndrome; Tumor predisposition. Identifiers: Orphanet 140162, MedGen C0027672, MeSH D009386, MONDO:0015356.
Familial adenomatous polyposis 1 (FAP1). Also called: FAMILIAL ADENOMATOUS POLYPOSIS 1, ATTENUATED; POLYPOSIS, ADENOMATOUS INTESTINAL. Identifiers: MedGen C2713442, MONDO:0021056, OMIM 175100. Disease mechanism: loss of function.

Submissions (3):

CeGaT Center for Human Genetics Tuebingen
Classification: Uncertain significance. Last evaluated: 2026-03-01. Review status: criteria provided, single submitter. Criteria: CeGaT Center For Human Genetics Tuebingen Variant Classification Criteria Version 2. Collection method: clinical testing. Allele origin: germline. Affected: yes. Observed: 1 variant allele.
Comment: APC: PM2, BP4

Ambry Genetics
Classification: Uncertain significance for Hereditary cancer-predisposing syndrome. Last evaluated: 2023-05-15. Review status: criteria provided, single submitter. Criteria: Ambry Variant Classification Scheme 2023. Collection method: clinical testing. Allele origin: germline.
Comment: The p.H1897D variant (also known as c.5689C>G), located in coding exon 15 of the APC gene, results from a C to G substitution at nucleotide position 5689. The histidine at codon 1897 is replaced by aspartic acid, an amino acid with similar properties. This amino acid position is conserved. In addition, in silico predictors for this gene do not accurately predict pathogenicity. Since supporting evidence is limited at this time, the clinical significance of this alteration remains unclear.

Labcorp Genetics (formerly Invitae), Labcorp
Classification: Uncertain significance for Familial adenomatous polyposis 1. Last evaluated: 2022-06-07. Review status: criteria provided, single submitter. Criteria: Invitae Variant Classification Sherloc (09022015). Collection method: clinical testing. Allele origin: germline.
Comment: This sequence change replaces histidine, which is basic and polar, with aspartic acid, which is acidic and polar, at codon 1897 of the APC protein (p.His1897Asp). Algorithms developed to predict the effect of missense changes on protein structure and function (SIFT, PolyPhen-2, Align-GVGD) all suggest that this variant is likely to be tolerated. This variant has not been reported in the literature in individuals affected with APC-related conditions. This variant is not present in population databases (gnomAD no frequency). In summary, the available evidence is currently insufficient to determine the role of this variant in disease. Therefore, it has been classified as a Variant of Uncertain Significance.

NM_000038.6(APC):c.5689C>G (p.His1897Asp)

Gene: APC (APC regulator of Wnt signaling pathway; plus strand). Cytogenetic location: 5q22.2.
Variant type: single nucleotide variant.
Coding change: c.5689C>G on transcript NM_000038.6 (MANE Select); coding-DNA position 5689, C replaced by G.
Protein change: p.His1897Asp; replaces histidine 1897 with aspartic acid.
Molecular consequence: missense variant.
Genome position (GRCh38, 1-based): chr5:112,841,283, C>G. VCF-style: chr5-112841283-C-G. GRCh37 (hg19) VCF-style: chr5-112176980-C-G.
Other names: c.5689C>G, p.His1897Asp (NM_001127510.3, NM_001354895.2, NM_001407450.1); c.5635C>G, p.His1879Asp (NM_001127511.3); c.5743C>G, p.His1915Asp (NM_001354896.2, NM_001407447.1, NM_001407448.1 and 1 more transcripts); c.5719C>G, p.His1907Asp (NM_001354897.2); c.5614C>G, p.His1872Asp (NM_001354898.2); c.5605C>G, p.His1869Asp (NM_001354899.2); c.5566C>G, p.His1856Asp (NM_001354900.2); c.5512C>G, p.His1838Asp (NM_001354901.2, NM_001407453.1); and 12 more; short protein forms H1869D, H1915D, H1768D, H1814D, H1838D, H1879D, H1887D, H1614D.
Identifiers: ClinVar variation 1965692 (VCV001965692.11), dbSNP rs2149946572, ClinGen allele CA16033787.